The following is an entry in ClinVar:

ClinVar aggregate classification (germline): Pathogenic. Review status: criteria provided, multiple submitters, no conflicts (2 of 4 stars). 2 submissions from 2 submitters: Pathogenic (2). Last evaluated 2024-02-02.

Conditions:
Autosomal dominant optic atrophy classic form (OPA1). Also called: KJER-TYPE OPTIC ATROPHY; OPTIC ATROPHY, JUVENILE; Optic Atrophy Type 1. Identifiers: Orphanet 98673, MedGen C0338508, MONDO:0008134, OMIM 165500.

Submissions (2):

Institute of Immunology and Genetics Kaiserslautern
Classification: Pathogenic for Autosomal dominant optic atrophy classic form. Last evaluated: 2024-02-02. Review status: criteria provided, single submitter. Criteria: ACMG Guidelines, 2015. Collection method: clinical testing. Allele origin: germline. Affected: yes.
Comment: ACMG Criteria: PVS1, PM2_P, PP3, PP4, PP5; Variant was found in heterozygous state

CeGaT Center for Human Genetics Tuebingen
Classification: Pathogenic. Last evaluated: 2023-08-01. Review status: criteria provided, single submitter. Criteria: CeGaT Center For Human Genetics Tuebingen Variant Classification Criteria Version 2. Collection method: clinical testing. Allele origin: germline. Affected: yes. Observed: 2 variant alleles.
Comment: OPA1: PVS1, PM2

NM_130837.3(OPA1):c.2869G>T (p.Glu957Ter)

Gene: OPA1 (OPA1 mitochondrial dynamin like GTPase; plus strand). Cytogenetic location: 3q29.
Variant type: single nucleotide variant.
Coding change: c.2869G>T on transcript NM_130837.3 (MANE Select); coding-DNA position 2869, G replaced by T.
Protein change: p.Glu957Ter; replaces glutamic acid 957 with a stop codon.
Molecular consequence: nonsense.
Genome position (GRCh38, 1-based): chr3:193,666,386, G>T. VCF-style: chr3-193666386-G-T. GRCh37 (hg19) VCF-style: chr3-193384175-G-T.
Other names: c.2335G>T, p.Glu779Ter (NM_001354663.2); c.2332G>T, p.Glu778Ter (NM_001354664.2); c.2704G>T, p.Glu902Ter (NM_015560.3); c.2596G>T, p.Glu866Ter (NM_130831.3); c.2650G>T, p.Glu884Ter (NM_130832.3); c.2707G>T, p.Glu903Ter (NM_130833.3); c.2758G>T, p.Glu920Ter (NM_130834.3); c.2761G>T, p.Glu921Ter (NM_130835.3); and 1 more; short protein forms E778*, E779*, E866*, E884*, E902*, E903*, E920*, E921*.
Identifiers: ClinVar variation 2571197 (VCV002571197.28), dbSNP rs921531106, ClinGen allele CA355796849.